The following is an entry in ClinVar:

ClinVar aggregate classification (germline): Pathogenic. Review status: criteria provided, multiple submitters, no conflicts (2 of 4 stars). 10 submissions from 10 submitters: Pathogenic (7). 3 of the submissions do not count toward it. Last evaluated 2025-02-28.

Conditions:
BRCA1-related disorder. Also called: BRCA1-related condition.
Hereditary cancer-predisposing syndrome. Also called: Hereditary Cancer Syndrome; Tumor predisposition; Neoplastic Syndromes, Hereditary; Hereditary neoplastic syndrome. Identifiers: Orphanet 140162, MedGen C0027672, MeSH D009386, MONDO:0015356.
Hereditary breast ovarian cancer syndrome. Also called: Breast and ovarian cancer; BRCA1- and BRCA2-Associated Hereditary Breast and Ovarian Cancer; Hereditary breast and ovarian cancer; Hereditary breast and ovarian cancer syndrome (HBOC); Hereditary breast and ovarian cancer syndrome; Hereditary breast and/or ovarian cancer syndrome. Identifiers: Orphanet 145, MedGen C0677776, MeSH D061325, MONDO:0003582. Disease mechanism: loss of function.
Breast-ovarian cancer, familial, susceptibility to, 1 (BROVCA1). Also called: BRCA1 Hereditary Breast and Ovarian Cancer; OVARIAN CANCER, SUSCEPTIBILITY TO. Identifiers: Orphanet 145, MedGen C2676676, MONDO:0011450, OMIM 604370. Disease mechanism: loss of function.

Submissions (11):

Ambry Genetics
Classification: Pathogenic for Hereditary cancer-predisposing syndrome. Last evaluated: 2025-02-28. Review status: criteria provided, single submitter. Criteria: Ambry Variant Classification Scheme 2023. Collection method: clinical testing. Allele origin: germline.
Comment: The c.5193+1G>T intronic pathogenic mutation results from a G to T substitution one nucleotide after coding exon 17 of the BRCA1 gene. One functional study found that this nucleotide substitution is non-functional in a high-throughput, genome editing, haploid cell survival assay (Findlay GM et al. Nature, 2018 10;562:217-222). This nucleotide position is highly conserved in available vertebrate species. In silico splice site analysis predicts that this alteration will weaken the native splice donor site, however, direct evidence is insufficient at this time (Ambry internal data). Alterations that disrupt the canonical splice site are expected to cause aberrant splicing, resulting in an abnormal protein or a transcript that is subject to nonsense-mediated mRNA decay. Based on the supporting evidence, this variant is interpreted as a disease-causing mutation.

Labcorp Genetics (formerly Invitae), Labcorp
Classification: Pathogenic for Hereditary breast ovarian cancer syndrome. Last evaluated: 2024-09-25. Review status: criteria provided, single submitter. Criteria: Invitae Variant Classification Sherloc (09022015). Collection method: clinical testing. Allele origin: germline.
Comment: This sequence change affects a donor splice site in intron 18 of the BRCA1 gene. RNA analysis indicates that disruption of this splice site induces altered splicing and may result in an absent or altered protein product. This variant is not present in population databases (gnomAD no frequency). Disruption of this splice site has been observed in individual(s) with ovarian cancer and peritoneal cancer (PMID: 26681312, 27083775). ClinVar contains an entry for this variant (Variation ID: 91642). Algorithms developed to predict the effect of variants on gene product structure and function are not available or were not evaluated for this variant. Experimental studies have shown that disruption of this splice site affects BRCA1 function (PMID: 30209399). Studies have shown that disruption of this splice site results in skipping of exon 18, and produces a non-functional protein and/or introduces a premature termination codon (internal data). For these reasons, this variant has been classified as Pathogenic.

Women's Health and Genetics/Laboratory Corporation of America, LabCorp
Classification: Pathogenic for Hereditary breast ovarian cancer syndrome. Last evaluated: 2022-12-12. Review status: criteria provided, single submitter. Criteria: LabCorp Variant Classification Summary - May 2015. Collection method: clinical testing. Allele origin: germline.
Comment: Variant summary: BRCA1 c.5193+1G>T is located in a canonical splice-site and is predicted to affect mRNA splicing resulting in a significantly altered protein due to either exon skipping, shortening, or inclusion of intronic material. Several computational tools predict a significant impact on normal splicing: Four predict the variant abolishes a canonical 5' splicing donor site. The variant was absent in 251130 control chromosomes. c.5193+1G>T has been reported in the literature in individuals affected with Breast Cancer, Ovarian Cancer, and Peritoneal Cancer (Carter_2018, Ren_2021, Seifert_2016, Susswein_2016). These data indicate that the variant is likely to be associated with disease. At least one functional study reports experimental evidence evaluating an impact on protein function and showed a loss of function effect of this variant on homology directed repair (HDR) activity (Findlay_2018). HDR assays qualify as a recognized gold standard on the basis of updated guidance provided by the ClinGen Sequence Variant Interpretation (SVI) working group. Three laboratories have submitted clinical-significance assessments for this variant to ClinVar after 2014. All laboratories classified the variant as pathogenic. Based on the evidence outlined above, the variant was classified as pathogenic.

CeGaT Center for Human Genetics Tuebingen
Classification: Pathogenic. Last evaluated: 2022-11-01. Review status: criteria provided, single submitter. Criteria: CeGaT Center For Human Genetics Tuebingen Variant Classification Criteria Version 2. Collection method: clinical testing. Allele origin: germline. Affected: yes. Observed: 1 variant allele.
Comment: BRCA1: PVS1, PM2, PS3:Supporting

Baylor Genetics
Classification: Pathogenic for Breast-ovarian cancer, familial, susceptibility to, 1. Last evaluated: 2022-07-01. Review status: criteria provided, single submitter. Criteria: ACMG Guidelines, 2015. Collection method: clinical testing. Allele origin: unknown.

Blueprint Genetics
Classification: Pathogenic for BRCA1-related disorders. Last evaluated: 2021-07-23. Review status: criteria provided, single submitter. Criteria: ACMG Guidelines, 2015. Collection method: clinical testing. Allele origin: germline. Affected: yes. Observed: 1 variant allele.

GeneDx
Classification: Pathogenic. Last evaluated: 2018-12-05. Review status: criteria provided, single submitter. Criteria: GeneDx Variant Classification (06012015). Collection method: clinical testing. Allele origin: germline. Affected: yes.
Comment: This pathogenic variant is denoted BRCA1 c.5193+1G>T or IVS18+1G>T and consists of a G>T nucleotide substitution at the +1 position of intron 18 of the BRCA1 gene. The variant destroys a canonical splice donor site and is predicted to cause abnormal gene splicing, leading to either an abnormal message that is subject to nonsense-mediated mRNA decay or to an abnormal protein product. This variant, also defined as 5312+1G>T or IVS19+1G>T using alternate nomenclature or exon numbering, has been reported in at least two individuals with breast cancer and one with ovarian cancer (Spurdle 2008, Seifert 2016). In a functional study, this variant was classified as non-functional based on a saturation genome editing (SGE) assay measuring growth in a BRCA1 null cell line (Findlay 2018). Based on current evidence, we consider this variant to be pathogenic.

Research Molecular Genetics Laboratory, Women's College Hospital, University of Toronto
Classification: Pathogenic for Hereditary breast ovarian cancer syndrome. Last evaluated: 2014-01-31. Review status: no assertion criteria provided. Collection method: research. Allele origin: germline. Affected: yes. Study: The Canadian Open Genetics Repository (COGR). Not counted in ClinVar's aggregate classification.

Sharing Clinical Reports Project (SCRP)
Classification: Pathogenic for Breast-ovarian cancer, familial 1. Last evaluated: 2010-05-18. Review status: no assertion criteria provided. Collection method: clinical testing. Allele origin: germline. Not counted in ClinVar's aggregate classification.

Brotman Baty Institute, University of Washington
No classification provided (evidence only). Condition: Breast-ovarian cancer, familial 1. Review status: no classification provided. Collection method: in vitro. Allele origin: not applicable. Functional consequence: functionally_abnormal. Not counted in ClinVar's aggregate classification.
ClinVar note: "not provided" was previously submitted as the classification for the variant. However, the classification appeared to be based only on an observation of functional data so it was converted to no classification on 2025-07-30.

Department of Pathology and Laboratory Medicine, Sinai Health System
Classification: Pathogenic. Review status: no assertion criteria provided. Collection method: clinical testing. Allele origin: unknown. Affected: yes. Study: The Canadian Open Genetics Repository (COGR). Not counted in ClinVar's aggregate classification.
Comment: The BRCA1 c.5193+1G>T variant was identified in 5 of 1008 proband chromosomes (frequency: 0.005) from individuals or families with breast and ovarian cancer and was not identified in 460 control chromosomes from healthy individuals (Greenman, 1998, Spurdle, 2008, Seifert, 2016). The variant was also identified in dbSNP (ID: rs80358004) as "With Pathogenic allele", ClinVar (3x as Pathogenic by GeneDx, Sharing Clinical Reports Project and one other submitter). The variant was classified as a pathogenic variant by the Sharing Clinical Reports Project (SCRP) (derived from Myriad reports). The variant was not identified in LOVD 3.0, UMD-LSD. The variant was not identified in the following control databases: the Exome Aggregation Consortium (August 8th 2016), or the Genome Aggregation Database (Feb 27, 2017). The c.5193+1G>T variant is predicted to cause abnormal splicing because the nucleotide substitution occurs in the invariant region of the splice consensus sequence. In addition, 4 of 4 in silico or computational prediction software programs (SpliceSiteFinder, MaxEntScan, NNSPLICE, GeneSplicer) predict a greater than 10% difference in splicing. RNA studies and sequencing of the cDNA from a patient revealed skipping of exon 18, which introduces a frameshift and termination at codon 1719 (Greenman, 1998). In a functional study, this variant was classified as non-functional based on a saturation genome editing (SGE) assay measuring growth in a BRCA1 null cell line (Findlay 2018). In summary, based on the above information this variant meets our laboratoryâ€šÃ„Ã´s criteria to be classified as pathogenic.

Literature cited by the submitters: PubMed 30209399 (cited by 3 submitters); PubMed 26681312 (cited by Labcorp Genetics (formerly Invitae), Labcorp and Women's Health and Genetics/Laboratory Corporation of America, LabCorp); PubMed 27083775 (cited by Labcorp Genetics (formerly Invitae), Labcorp and Women's Health and Genetics/Laboratory Corporation of America, LabCorp); PubMed 30322717 (cited by Women's Health and Genetics/Laboratory Corporation of America, LabCorp); PubMed 28975465 (cited by Women's Health and Genetics/Laboratory Corporation of America, LabCorp); PubMed 34196900 (cited by Women's Health and Genetics/Laboratory Corporation of America, LabCorp).

NM_007294.4(BRCA1):c.5193+1G>T

Gene: BRCA1 (BRCA1 DNA repair associated; minus strand). Cytogenetic location: 17q21.31.
Variant type: single nucleotide variant.
Coding change: c.5193+1G>T on transcript NM_007294.4 (MANE Select); the canonical splice donor site of the intron after coding-DNA position 5193, G replaced by T.
Molecular consequence: splice donor variant.
Genome position (GRCh38, 1-based): chr17:43,063,332, C>A on the plus strand (G>T on the coding strand, the complement: BRCA1 is on the minus strand). VCF-style: chr17-43063332-C-A. GRCh37 (hg19) VCF-style: chr17-41215349-C-A.
Other names: IVS19+1G>T; c.1740+1G>T (NM_001408458.1, NM_001408461.1, NM_001408464.1 and 7 more transcripts); c.4302+1G>T (NM_001407967.1); c.4812+1G>T (NM_001407959.1); c.4926+1G>T (NM_001407931.1, NM_001407932.1, NM_001407928.1 and 4 more transcripts); c.5049+1G>T (NM_001407747.1, NM_001407745.1, NM_001407737.1 and 21 more transcripts); c.4809+1G>T (NM_001407962.1, NM_001407960.1); c.1380+1G>T (NM_001408512.1); and 73 more.
Identifiers: ClinVar variation 91642 (VCV000091642.52), dbSNP rs80358004, ClinGen allele CA003338.